The following is an entry in ClinVar:

NM_001085.5(SERPINA3):c.603G>A (p.Ser201=)

Gene: SERPINA3 (serpin family A member 3; plus strand). Cytogenetic location: 14q32.13.
Variant type: single nucleotide variant.
Coding change: c.603G>A on transcript NM_001085.5 (MANE Select); coding-DNA position 603, G replaced by A.
Protein change: p.Ser201=; no amino-acid change (serine 201 retained).
Molecular consequence: synonymous variant.
Genome position (GRCh38, 1-based): chr14:94,615,044, G>A. VCF-style: chr14-94615044-G-A. GRCh37 (hg19) VCF-style: chr14-95081381-G-A.
Identifiers: ClinVar variation 776856 (VCV000776856.7), dbSNP rs9323909, ClinGen allele CA7329808.
Genomic context (GRCh38, chr14:94,615,044, plus strand): 5'-CGACTACGTGAAGAATGGAACTAGGGGGAAAATCACAGATCTGATCAAGGACCTTGACTC[G>A]CAGACAATGATGGTCCTGGTGAATTACATCTTCTTTAAAGGTGAGTGTGCCTGGCTTGGG-3'
Protein context (NP_001076.2, residues 191-211): KITDLIKDLD[Ser201=]QTMMVLVNYI

ClinVar aggregate classification (germline): Benign. Review status: criteria provided, multiple submitters, no conflicts (2 of 4 stars). 3 submissions from 3 submitters: Benign (2). 1 of the submissions does not count toward it. Last evaluated 2019-12-31.

Conditions:
SERPINA3-related disorder. Also called: SERPINA3-related condition.

Allele frequency attached by ClinVar (database versions not stated): gnomAD exomes 0.00217 and 0.00588; ExAC 0.00747; 1000 Genomes Project 0.02256; gnomAD 0.02259 and 0.02440; 1000 Genomes Project 30x 0.02280; TOPMed 0.02459; ESP Exome Variant Server 0.02637.

Submissions (3):

Labcorp Genetics (formerly Invitae), Labcorp
Classification: Benign. Last evaluated: 2019-12-31. Review status: criteria provided, single submitter. Criteria: Invitae Variant Classification Sherloc (09022015). Collection method: clinical testing. Allele origin: germline.

Breakthrough Genomics
Classification: Benign. Review status: criteria provided, single submitter. Criteria: ACMG Guidelines, 2015. Collection method: not provided. Allele origin: germline. Inheritance: Unknown mechanism. Affected: yes.

PreventionGenetics, part of Exact Sciences
Classification: Benign for SERPINA3-related condition. Last evaluated: 2019-11-06. Review status: no assertion criteria provided. Collection method: clinical testing. Allele origin: germline. Not counted in ClinVar's aggregate classification.
Comment: This variant is classified as benign based on ACMG/AMP sequence variant interpretation guidelines (Richards et al. 2015 PMID: 25741868, with internal and published modifications).